The following is an entry in ClinVar:

ClinVar aggregate classification (germline): Uncertain significance (1 of 4 stars; one submission).

Allele frequency attached by ClinVar (database versions not stated): gnomAD 0.00002; TOPMed 0.00003; ExAC 0.00004; ESP Exome Variant Server 0.00008; gnomAD exomes 0.00012.
gnomAD v4.1: 173 of 1,593,226 alleles (0.011%); highest among the groups gnomAD compares: Non-Finnish European, 0.014%; no homozygotes.

Submission:

Labcorp Genetics (formerly Invitae), Labcorp
Classification: Uncertain significance. Last evaluated: 2024-01-04. Review status: criteria provided, single submitter. Criteria: Invitae Variant Classification Sherloc (09022015). Collection method: clinical testing. Allele origin: germline.
Comment: This sequence change affects codon 77 of the NAA15 mRNA. It is a 'silent' change, meaning that it does not change the encoded amino acid sequence of the NAA15 protein. This variant is present in population databases (rs368780802, gnomAD 0.006%). This variant has not been reported in the literature in individuals affected with NAA15-related conditions. Algorithms developed to predict the effect of sequence changes on RNA splicing suggest that this variant may disrupt the consensus splice site. In summary, the available evidence is currently insufficient to determine the role of this variant in disease. Therefore, it has been classified as a Variant of Uncertain Significance.

NM_057175.5(NAA15):c.231G>A (p.Leu77=)

Gene: NAA15 (N-alpha-acetyltransferase 15, NatA auxiliary subunit; plus strand). Cytogenetic location: 4q31.1.
Variant type: single nucleotide variant.
Coding change: c.231G>A on transcript NM_057175.5 (MANE Select); coding-DNA position 231, G replaced by A.
Protein change: p.Leu77=; no amino-acid change (leucine 77 retained).
Molecular consequence: synonymous variant.
Genome position (GRCh38, 1-based): chr4:139,336,939, G>A. VCF-style: chr4-139336939-G-A. GRCh37 (hg19) VCF-style: chr4-140258093-G-A.
Other names: c.231G>A, p.Leu77= (NM_001410842.1, NM_025085.2).
Identifiers: ClinVar variation 2892797 (VCV002892797.3), dbSNP rs368780802, ClinGen allele CA3083341.
Genomic context (GRCh38, chr4:139,336,939, plus strand): 5'-CTGTTTGGGGAAAAAGGAAGAAGCTTATGAATTGGTTCGTAGAGGTTTGAGAAATGACTT[G>A]AAGAGTCATGTGTGTATCCTTTTTGAGATATATTTAAGGTTTGAGTGGGGTGTTTTGAGC-3'
Protein context (NP_476516.1, residues 67-87): ELVRRGLRND[Leu77=]KSHVCWHVYG